The following is an entry in ClinVar:

ClinVar aggregate classification (germline): Pathogenic (1 of 4 stars; one submission).

Conditions:
Hereditary factor VIII deficiency disease (HEMA). Also called: HEMOPHILIA, CLASSIC; AUTOSOMAL HEMOPHILIA A; Hemophilia A; Hemophilia A, congenital; HEM A; Factor 8 deficiency, congenital. Identifiers: Orphanet 98878, MedGen C0019069, MONDO:0010602, OMIM 306700.

Submission:

Women's Health and Genetics/Laboratory Corporation of America, LabCorp
Classification: Pathogenic for Hereditary factor VIII deficiency disease. Last evaluated: 2023-12-11. Review status: criteria provided, single submitter. Criteria: LabCorp Variant Classification Summary - May 2015. Collection method: clinical testing. Allele origin: germline.
Comment: Variant summary: The variant involves the deletion of exons 7-13 in the F8 gene. A presumed nomenclature of c.(787+1_788-1)_(2113+1_2114-1)del has been designated for the purposes of this classification. The variant was absent in 16079 control chromosomes (gnomAD, structural variants dataset). c.(787+1_788-1)_(2113+1_2114-1)del has been reported in the literature in individuals affected with Factor VIII Deficiency (Hemophilia A) (examples: Minno_2014, Pinto_2016 Azadmehr_2021). Variants located in the overlapping deleted region (ex: p.Phe312Ser, p.Ser554Gly, p.Arg602Gly) have been classified pathogenic internally. These data indicate that the variant is very likely associated with disease. The following publications have been ascertained in the context of this evaluation (PMID: 35014236, 26897466, 24975702). No submitters have cited clinical-significance assessments for this variant to ClinVar after 2014. Based on the evidence outlined above, the variant was classified as pathogenic.

Literature cited by the submitters: PubMed 35014236; PubMed 24975702; PubMed 26897466.

NC_000023.10:g.(154159952_154175972)_(154197828_154212961)del

Gene: F8 (coagulation factor VIII; minus strand). Cytogenetic location: Xq28.
Variant type: Deletion.
Identifiers: ClinVar variation 2691578 (VCV002691578.1).